The following is an entry in ClinVar:

NM_014694.4(ADAMTSL2):c.215G>A (p.Arg72Gln)

Gene: ADAMTSL2 (ADAMTS like 2; plus strand). Cytogenetic location: 9q34.2.
Variant type: single nucleotide variant.
Coding change: c.215G>A on transcript NM_014694.4 (MANE Select); coding-DNA position 215, G replaced by A.
Protein change: p.Arg72Gln; replaces arginine 72 with glutamine.
Molecular consequence: missense variant.
Genome position (GRCh38, 1-based): chr9:133,537,529, G>A. VCF-style: chr9-133537529-G-A. GRCh37 (hg19) VCF-style: chr9-136402651-G-A.
Other names: c.215G>A, p.Arg72Gln (NM_001145320.2); c.215G>A (NM_014694.3); short protein forms R72Q.
Identifiers: ClinVar variation 30944 (VCV000030944.2), dbSNP rs387907064, ClinGen allele CA342766.
Genomic context (GRCh38, chr9:133,537,529, plus strand): 5'-AGTGGACCAAGTGGACGGCGTGTTCCCGCAGTTGCGGGGGTGGGGTGACATCCCAGGAGC[G>A]GCACTGCCTGCAGCAGAGGTGCGAGGTTGGGCACGTGGCCCTGAGGGGATGGCATGAGGG-3'
Protein context (NP_055509.2, residues 62-82): SCGGGVTSQE[Arg72Gln]HCLQQRRKSV

ClinVar aggregate classification (germline): Likely pathogenic. Review status: criteria provided, single submitter (1 of 4 stars). 2 submissions from 2 submitters: Likely pathogenic (1). 1 of the submissions does not count toward it. Last evaluated 2024-08-04.

Conditions:
Geleophysic dysplasia 1 (GPHYSD1). Also called: Geleophysic dwarfism. Identifiers: Orphanet 2623, MedGen C3278147, MONDO:0009269, OMIM 231050.

Allele frequency attached by ClinVar (database versions not stated): gnomAD exomes below 0.00001; TOPMed below 0.00001; gnomAD 0.00001.
gnomAD v4.1: 3 of 1,350,642 alleles (0.00022%); highest among the groups gnomAD compares: Middle Eastern, 0.02%; no homozygotes.

Submissions (2):

GeneDx
Classification: Likely pathogenic. Last evaluated: 2024-08-04. Review status: criteria provided, single submitter. Criteria: GeneDx Variant Classification Process June 2021. Collection method: clinical testing. Allele origin: germline. Affected: yes.
Comment: Identified with a second ADAMTSL2 variant, although it is unknown if the variants are on opposite alleles (in trans), in an individual with geleophysic dysplasia (PMID: 21415077); Not observed at significant frequency in large population cohorts (gnomAD); In silico analysis supports that this missense variant has a deleterious effect on protein structure/function; This variant is associated with the following publications: (PMID: 21415077, Nauay2022[CaseReport], 29620724)

OMIM
Classification: Pathogenic for GELEOPHYSIC DYSPLASIA 1. Last evaluated: 2011-06-01. Review status: no assertion criteria provided. Collection method: literature only. Allele origin: germline. Not counted in ClinVar's aggregate classification.

Literature cited by the submitters: PubMed 21415077 (cited by OMIM).